The following is an entry in ClinVar:

NM_002900.3(RBP3):c.1282T>C (p.Ser428Pro)

Gene: RBP3 (retinol binding protein 3; plus strand). Cytogenetic location: 10q11.22.
Variant type: single nucleotide variant.
Coding change: c.1282T>C on transcript NM_002900.3 (MANE Select); coding-DNA position 1282, T replaced by C.
Protein change: p.Ser428Pro; replaces serine 428 with proline.
Molecular consequence: missense variant.
Genome position (GRCh38, 1-based): chr10:47,349,766, T>C. VCF-style: chr10-47349766-T-C. GRCh37 (hg19) VCF-style: chr10-48389596-A-G.
Other names: short protein forms S428P.
Identifiers: ClinVar variation 1005097 (VCV001005097.8), dbSNP rs1836927969, ClinGen allele CA376669190.

ClinVar aggregate classification (germline): Uncertain significance (1 of 4 stars; one submission).

Submission:

Labcorp Genetics (formerly Invitae), Labcorp
Classification: Uncertain significance. Last evaluated: 2020-06-16. Review status: criteria provided, single submitter. Criteria: Invitae Variant Classification Sherloc (09022015). Collection method: clinical testing. Allele origin: germline.
Comment: This sequence change replaces serine with proline at codon 428 of the RBP3 protein (p.Ser428Pro). The serine residue is moderately conserved and there is a moderate physicochemical difference between serine and proline. This variant is not present in population databases (ExAC no frequency). This variant has not been reported in the literature in individuals with RBP3-related conditions. Algorithms developed to predict the effect of missense changes on protein structure and function are either unavailable or do not agree on the potential impact of this missense change (SIFT: "Deleterious"; PolyPhen-2: "Possibly Damaging"; Align-GVGD: "Class C0"). In summary, the available evidence is currently insufficient to determine the role of this variant in disease. Therefore, it has been classified as a Variant of Uncertain Significance.